The following is an entry in ClinVar:

ClinVar aggregate classification (germline): Uncertain significance. Review status: criteria provided, multiple submitters, no conflicts (2 of 4 stars). 3 submissions from 3 submitters: Uncertain significance (3). Last evaluated 2024-11-04.

Conditions:
Fanconi anemia (FA). Also called: Fanconi's anemia. Identifiers: Orphanet 84, MedGen C0015625, MeSH D005199, MONDO:0019391.
Fanconi anemia complementation group F. Also called: FANCF-Related Fanconi Anemia. Identifiers: Orphanet 84, MedGen C3469526, MONDO:0011325, OMIM 603467.

Allele frequency attached by ClinVar (database versions not stated): gnomAD 0.00001 and 0.00002; gnomAD exomes 0.00002; ExAC 0.00004; TOPMed 0.00006; ESP Exome Variant Server 0.00008.

Submissions (3):

Labcorp Genetics (formerly Invitae), Labcorp
Classification: Uncertain significance for Fanconi anemia. Last evaluated: 2024-11-04. Review status: criteria provided, single submitter. Criteria: Invitae Variant Classification Sherloc (09022015). Collection method: clinical testing. Allele origin: germline.
Comment: This sequence change replaces glutamine, which is neutral and polar, with histidine, which is basic and polar, at codon 312 of the FANCF protein (p.Gln312His). This variant is present in population databases (rs371631248, gnomAD 0.005%). This variant has not been reported in the literature in individuals affected with FANCF-related conditions. ClinVar contains an entry for this variant (Variation ID: 567023). Invitae Evidence Modeling of protein sequence and biophysical properties (such as structural, functional, and spatial information, amino acid conservation, physicochemical variation, residue mobility, and thermodynamic stability) indicates that this missense variant is not expected to disrupt FANCF protein function with a negative predictive value of 80%. In summary, the available evidence is currently insufficient to determine the role of this variant in disease. Therefore, it has been classified as a Variant of Uncertain Significance.

Fulgent Genetics
Classification: Uncertain significance for Fanconi anemia complementation group F. Last evaluated: 2024-04-05. Review status: criteria provided, single submitter. Criteria: ACMG Guidelines, 2015. Collection method: clinical testing. Allele origin: germline.

Genetic Services Laboratory, University of Chicago
Classification: Uncertain significance. Last evaluated: 2021-04-23. Review status: criteria provided, single submitter. Criteria: ACMG Guidelines, 2015. Collection method: clinical testing. Allele origin: germline. Affected: no.
Comment: DNA sequence analysis of the FANCF gene demonstrated a sequence change, c.936A>T, in exon 1 that results in an amino acid change, p.Gln312His. This sequence change does not appear to have been previously described in patients with FANCF-related disorders. This sequence change has been described in the gnomAD database with a low frequency of 0.005% in the non-Finnish European subpopulation (dbSNP rs371631248). The p.Gln312His change affects a moderately conserved amino acid residue of the FANCF protein. The p.Gln312His substitution appears to be benign using several in-silico pathogenicity prediction tools (SIFT, PolyPhen2, Align GVGD, REVEL). Due to the lack of functional studies, the clinical significance of the p.Gln312His change remains unknown at this time.

NM_022725.4(FANCF):c.936A>T (p.Gln312His)

Gene: FANCF (FA complementation group F; minus strand). Cytogenetic location: 11p14.3.
Variant type: single nucleotide variant.
Coding change: c.936A>T on transcript NM_022725.4 (MANE Select); coding-DNA position 936, A replaced by T.
Protein change: p.Gln312His; replaces glutamine 312 with histidine.
Molecular consequence: missense variant.
Genome position (GRCh38, 1-based): chr11:22,624,875, T>A on the plus strand (A>T on the coding strand, the complement: FANCF is on the minus strand). VCF-style: chr11-22624875-T-A. GRCh37 (hg19) VCF-style: chr11-22646421-T-A.
Other names: short protein forms Q312H.
Identifiers: ClinVar variation 567023 (VCV000567023.10), dbSNP rs371631248, ClinGen allele CA5924229.